The following is an entry in ClinVar:

ClinVar aggregate classification (germline): Likely benign. Review status: criteria provided, multiple submitters, no conflicts (2 of 4 stars). 6 submissions from 6 submitters: Likely benign (5). 1 of the submissions does not count toward it. Last evaluated 2026-01-19.

Conditions:
TCOF1-related disorder. Also called: TCOF1-related condition.
Treacher Collins syndrome 1 (TCS1). Also called: TCOF1-Related Treacher Collins Syndrome. Identifiers: Orphanet 861, MedGen CN315775, MONDO:0007944, OMIM 154500.

Allele frequency attached by ClinVar (database versions not stated): 1000 Genomes Project 30x 0.00016; 1000 Genomes Project 0.00020; ESP Exome Variant Server 0.00023; ExAC 0.00033; gnomAD exomes 0.00039 and 0.00043; TOPMed 0.00043; gnomAD 0.00049.

Submissions (6):

Labcorp Genetics (formerly Invitae), Labcorp
Classification: Likely benign for Treacher Collins syndrome 1. Last evaluated: 2026-01-19. Review status: criteria provided, single submitter. Criteria: Invitae Variant Classification Sherloc (09022015). Collection method: clinical testing. Allele origin: germline.

Blueprint Genetics
Classification: Likely benign. Last evaluated: 2024-11-21. Review status: criteria provided, single submitter. Criteria: ACMG Guidelines, 2015. Collection method: clinical testing. Allele origin: germline.

GeneDx
Classification: Likely benign. Last evaluated: 2021-06-03. Review status: criteria provided, single submitter. Criteria: GeneDx Variant Classification Process June 2021. Collection method: clinical testing. Allele origin: germline. Affected: yes.
Comment: This variant is associated with the following publications: (PMID: 27535533)

Athena Diagnostics
Classification: Likely benign. Last evaluated: 2019-07-08. Review status: criteria provided, single submitter. Criteria: Athena Diagnostics Criteria. Collection method: clinical testing. Allele origin: germline.

Mendelics
Classification: Likely benign for Treacher Collins syndrome 1. Last evaluated: 2019-05-28. Review status: criteria provided, single submitter. Criteria: Mendelics Assertion Criteria 2017. Collection method: clinical testing. Allele origin: unknown.

PreventionGenetics, part of Exact Sciences
Classification: Likely benign for TCOF1-related condition. Last evaluated: 2024-08-06. Review status: no assertion criteria provided. Collection method: clinical testing. Allele origin: germline. Not counted in ClinVar's aggregate classification.
Comment: This variant is classified as likely benign based on ACMG/AMP sequence variant interpretation guidelines (Richards et al. 2015 PMID: 25741868, with internal and published modifications).

NM_001371623.1(TCOF1):c.1552G>A (p.Gly518Arg)

Gene: TCOF1 (treacle ribosome biogenesis factor 1; plus strand). Cytogenetic location: 5q32.
Variant type: single nucleotide variant.
Coding change: c.1552G>A on transcript NM_001371623.1 (MANE Select); coding-DNA position 1552, G replaced by A.
Protein change: p.Gly518Arg; replaces glycine 518 with arginine.
Molecular consequence: missense variant.
Genome position (GRCh38, 1-based): chr5:150,375,402, G>A. VCF-style: chr5-150375402-G-A. GRCh37 (hg19) VCF-style: chr5-149754965-G-A.
Other names: c.1321G>A, p.Gly441Arg (NM_000356.4, NM_001135245.2); c.1552G>A, p.Gly518Arg (NM_001008657.3, NM_001135243.2, NM_001135244.2 and 1 more transcripts); short protein forms G441R, G518R.
Identifiers: ClinVar variation 774368 (VCV000774368.15), dbSNP rs201537012, ClinGen allele CA3510917.
Genomic context (GRCh38, chr5:150,375,402, plus strand): 5'-AAGCCCTTGGGGAAAAGCCCCCAGGTGAAACCTGCCTCTACCATGGGCATGGGGCCCTTG[G>A]GGAAAGGCGCCGGCCCAGTGCCACCCGGGAAGGTGGGGCCTGCAACCCCCTCAGCCCAGG-3'
Protein context (NP_001358552.1, residues 508-528): PASTMGMGPL[Gly518Arg]KGAGPVPPGK